The following is an entry in ClinVar:

NM_004168.4(SDHA):c.1607G>C (p.Cys536Ser)

Gene: SDHA (succinate dehydrogenase complex flavoprotein subunit A; plus strand). Cytogenetic location: 5p15.33.
Variant type: single nucleotide variant.
Coding change: c.1607G>C on transcript NM_004168.4 (MANE Select); coding-DNA position 1607, G replaced by C.
Protein change: p.Cys536Ser; replaces cysteine 536 with serine.
Molecular consequence: missense variant. On other transcripts: intron variant (1).
Genome position (GRCh38, 1-based): chr5:251,047, G>C. VCF-style: chr5-251047-G-C. GRCh37 (hg19) VCF-style: chr5-251162-G-C.
Other names: c.1463G>C, p.Cys488Ser (NM_001294332.2); c.1552-3346G>C (NM_001330758.2); short protein forms C488S, C536S.
Identifiers: ClinVar variation 3754206 (VCV003754206.2).
Genomic context (GRCh38, chr5:251,047, plus strand): 5'-CACAGTCAATGCAAAATCATGCTGCCGTGTTCCGTGTGGGAAGCGTGTTGCAAGAAGGTT[G>C]TGGGAAAATCAGCAAGCTCTATGGAGACCTAAAGCACCTGAAGACGTTCGACCGGGGTGA-3'
Protein context (NP_004159.2, residues 526-546): FRVGSVLQEG[Cys536Ser]GKISKLYGDL

ClinVar aggregate classification (germline): Uncertain significance (1 of 4 stars; one submission).

Conditions:
Mitochondrial complex II deficiency, nuclear type 1. Also called: SUCCINATE CoQ REDUCTASE DEFICIENCY. Identifiers: Orphanet 3208, MedGen C5700310, MONDO:0100294, OMIM 252011.
Pheochromocytoma/paraganglioma syndrome 5. Also called: Paragangliomas 5; SDHA-Related Hereditary Paraganglioma-Pheochromocytoma Syndrome. Identifiers: Orphanet 29072, MedGen C3279992, MONDO:0013602, OMIM 614165.

Submission:

Labcorp Genetics (formerly Invitae), Labcorp
Classification: Uncertain significance for Pheochromocytoma/paraganglioma syndrome 5; Mitochondrial complex II deficiency, nuclear type 1. Last evaluated: 2024-08-13. Review status: criteria provided, single submitter. Criteria: Invitae Variant Classification Sherloc (09022015). Collection method: clinical testing. Allele origin: germline.
Comment: This sequence change replaces cysteine, which is neutral and slightly polar, with serine, which is neutral and polar, at codon 536 of the SDHA protein (p.Cys536Ser). This variant is not present in population databases (gnomAD no frequency). This variant has not been reported in the literature in individuals affected with SDHA-related conditions. Advanced modeling of protein sequence and biophysical properties (such as structural, functional, and spatial information, amino acid conservation, physicochemical variation, residue mobility, and thermodynamic stability) performed at Invitae indicates that this missense variant is not expected to disrupt SDHA protein function with a negative predictive value of 95%. In summary, the available evidence is currently insufficient to determine the role of this variant in disease. Therefore, it has been classified as a Variant of Uncertain Significance.